The following is an entry in ClinVar:

NM_001040108.2(MLH3):c.607A>G (p.Lys203Glu)

Gene: MLH3 (mutL homolog 3; minus strand). Cytogenetic location: 14q24.3.
Variant type: single nucleotide variant.
Coding change: c.607A>G on transcript NM_001040108.2 (MANE Select); coding-DNA position 607, A replaced by G.
Protein change: p.Lys203Glu; replaces lysine 203 with glutamic acid.
Molecular consequence: missense variant.
Genome position (GRCh38, 1-based): chr14:75,049,049, T>C on the plus strand (A>G on the coding strand, the complement: MLH3 is on the minus strand). VCF-style: chr14-75049049-T-C. GRCh37 (hg19) VCF-style: chr14-75515752-T-C.
Other names: c.607A>G, p.Lys203Glu (NM_014381.3); short protein forms K203E.
Identifiers: ClinVar variation 1016594 (VCV001016594.12), dbSNP rs374988065, ClinGen allele CA7276003.

ClinVar aggregate classification (germline): Uncertain significance. Review status: criteria provided, multiple submitters, no conflicts (2 of 4 stars). 2 submissions from 2 submitters: Uncertain significance (2). Last evaluated 2025-01-17.

Conditions:
Colorectal cancer, hereditary nonpolyposis, type 7. Identifiers: Orphanet 144, MedGen C1858380, MONDO:0013725, OMIM 614385.

Allele frequency attached by ClinVar (database versions not stated): TOPMed below 0.00001; gnomAD exomes 0.00001; ExAC 0.00002; ESP Exome Variant Server 0.00008.

Submissions (2):

Ambry Genetics
Classification: Uncertain significance. Last evaluated: 2025-01-17. Review status: criteria provided, single submitter. Criteria: Ambry Variant Classification Scheme 2023. Collection method: clinical testing. Allele origin: germline.
Comment: The p.K203E variant (also known as c.607A>G), located in coding exon 1 of the MLH3 gene, results from an A to G substitution at nucleotide position 607. The lysine at codon 203 is replaced by glutamic acid, an amino acid with similar properties. This amino acid position is well conserved in available vertebrate species. In addition, the in silico prediction for this alteration is inconclusive. Since supporting evidence is limited at this time, the clinical significance of this alteration remains unclear.

Labcorp Genetics (formerly Invitae), Labcorp
Classification: Uncertain significance for Colorectal cancer, hereditary nonpolyposis, type 7. Last evaluated: 2022-06-28. Review status: criteria provided, single submitter. Criteria: Invitae Variant Classification Sherloc (09022015). Collection method: clinical testing. Allele origin: germline.
Comment: This sequence change replaces lysine, which is basic and polar, with glutamic acid, which is acidic and polar, at codon 203 of the MLH3 protein (p.Lys203Glu). This variant is present in population databases (rs374988065, gnomAD 0.0009%). This variant has not been reported in the literature in individuals affected with MLH3-related conditions. ClinVar contains an entry for this variant (Variation ID: 1016594). Algorithms developed to predict the effect of missense changes on protein structure and function are either unavailable or do not agree on the potential impact of this missense change (SIFT: "Deleterious"; PolyPhen-2: "Benign"; Align-GVGD: "Class C0"). In summary, the available evidence is currently insufficient to determine the role of this variant in disease. Therefore, it has been classified as a Variant of Uncertain Significance.